The following is an entry in ClinVar:

NM_000155.4(GALT):c.652_653del (p.Leu218fs)

Gene: GALT (galactose-1-phosphate uridylyltransferase; plus strand). Cytogenetic location: 9p13.3.
Variant type: Deletion.
Coding change: c.652_653del on transcript NM_000155.4 (MANE Select); coding-DNA positions 652 to 653, 2 bases deleted (CT; older notation c.652_653delCT).
Protein change: p.Leu218fs; shifts the reading frame from leucine 218.
Molecular consequence: frameshift variant.
Genome position (GRCh38, 1-based): chr9:34,648,421-34,648,422, CT deleted. VCF-style (leftmost placement, unchanged base first): chr9-34648420-GCT-G. GRCh37 (hg19) VCF-style: chr9-34648417-GCT-G.
Other names: c.325_326del, p.Leu109fs (NM_001258332.2); short protein forms L109fs, L218fs.
Identifiers: ClinVar variation 1724719 (VCV001724719.2), dbSNP rs2492869809, ClinGen allele CA2580080399.

ClinVar aggregate classification (germline): Likely pathogenic (1 of 4 stars; one submission).

Conditions:
Deficiency of UDPglucose-hexose-1-phosphate uridylyltransferase. Also called: GALACTOSE-1-PHOSPHATE URIDYLYLTRANSFERASE DEFICIENCY; Transferase Deficiency Galactosemia; GALACTOSEMIA I; GALT deficiency; Galactosemia, classic. Identifiers: Orphanet 352, Orphanet 79239, MedGen C0268151, MONDO:0009258, OMIM 230400.

Submission:

Myriad Genetics, Inc.
Classification: Likely pathogenic for Deficiency of UDPglucose-hexose-1-phosphate uridylyltransferase. Last evaluated: 2022-02-25. Review status: criteria provided, single submitter. Criteria: Myriad Women's Health Autosomal Recessive and X-Linked Classification Criteria (2021). Collection method: clinical testing. Allele origin: unknown.
Comment: NM_000155.3(GALT):c.652_653delCT(L218Nfs*19) is expected to be pathogenic in the context of galactosemia. This variant is predicted to lead to an abnormal or absent protein product due to the creation of a premature termination codon in GALT, a gene where loss-of-function variants are known to be pathogenic. Please note: this variant was assessed in the context of healthy population screening.